The following is an entry in ClinVar:

ClinVar aggregate classification (germline): Uncertain significance (1 of 4 stars; one submission).

Allele frequency attached by ClinVar (database versions not stated): ExAC 0.00004; gnomAD 0.00004; TOPMed 0.00005; gnomAD exomes 0.00013.
gnomAD v4.1: 185 of 1,574,206 alleles (0.012%); highest among the groups gnomAD compares: Non-Finnish European, 0.015%; no homozygotes.

Submission:

Labcorp Genetics (formerly Invitae), Labcorp
Classification: Uncertain significance. Last evaluated: 2025-01-01. Review status: criteria provided, single submitter. Criteria: Invitae Variant Classification Sherloc (09022015). Collection method: clinical testing. Allele origin: germline.
Comment: This sequence change replaces arginine, which is basic and polar, with glutamine, which is neutral and polar, at codon 218 of the PCGF2 protein (p.Arg218Gln). The frequency data for this variant in the population databases is considered unreliable, as metrics indicate poor data quality at this position in the gnomAD database. This variant has not been reported in the literature in individuals affected with PCGF2-related conditions. ClinVar contains an entry for this variant (Variation ID: 2720602). Invitae Evidence Modeling of protein sequence and biophysical properties (such as structural, functional, and spatial information, amino acid conservation, physicochemical variation, residue mobility, and thermodynamic stability) has been performed for this missense variant. However, the output from this modeling did not meet the statistical confidence thresholds required to predict the impact of this variant on PCGF2 protein function. In summary, the available evidence is currently insufficient to determine the role of this variant in disease. Therefore, it has been classified as a Variant of Uncertain Significance.

NM_007144.3(PCGF2):c.653G>A (p.Arg218Gln)

Gene: PCGF2 (polycomb group ring finger 2; minus strand). Cytogenetic location: 17q12.
Variant type: single nucleotide variant.
Coding change: c.653G>A on transcript NM_007144.3 (MANE Select); coding-DNA position 653, G replaced by A.
Protein change: p.Arg218Gln; replaces arginine 218 with glutamine.
Molecular consequence: missense variant.
Genome position (GRCh38, 1-based): chr17:38,736,094, C>T on the plus strand (G>A on the coding strand, the complement: PCGF2 is on the minus strand). VCF-style: chr17-38736094-C-T. GRCh37 (hg19) VCF-style: chr17-36892347-C-T.
Other names: c.653G>A, p.Arg218Gln (NM_001369614.1, NM_001369615.1); short protein forms R218Q.
Identifiers: ClinVar variation 2720602 (VCV002720602.3), dbSNP rs774439646, ClinGen allele CA8524909.
Genomic context (GRCh38, chr17:38,736,094, plus strand): 5'-ACCTATGCCAGACCCTGTGGGAGTCTGCTCCCTGCCCGCCCCACTCGCTGGCTCACCCGC[C>T]GCCAGGGGTAGATGTAGGCGATGTCCATGAGGGTGTAGTATTCCTTCAGTGGCTCGTCCT-3'
Protein context (NP_009075.1, residues 208-228): LMDIAYIYPW[Arg218Gln]RNGPLPLKYR